The following is an entry in ClinVar:

ClinVar aggregate classification (germline): Likely pathogenic (1 of 4 stars; one submission).

Conditions:
Primary ciliary dyskinesia. Also called: Ciliary dyskinesia. Identifiers: Orphanet 244, MedGen C0008780, MONDO:0016575, HP:0012265.

Submission:

Natera, Inc.
Classification: Likely pathogenic for Primary ciliary dyskinesia. Last evaluated: 2024-07-02. Review status: criteria provided, single submitter. Criteria: Natera Variant Classification Schema (03/2026). Collection method: clinical testing. Allele origin: germline.
Comment: The c.610+1del variant in DNAI2 is a canonical splice donor site variant predicted to affect pre-mRNA splicing, which may result in an abnormal transcript and altered protein product. This variant is expected to result in nonsense mediated decay, truncation, or a dysfunctional protein product. This variant is rare in the general population with a frequency below the threshold expected for the associated phenotype(s). Given the available evidence, this variant is classified as Likely Pathogenic.

NM_023036.6(DNAI2):c.610+1del

Gene: DNAI2 (dynein axonemal intermediate chain 2; plus strand). Cytogenetic location: 17q25.1.
Variant type: Deletion.
Coding change: c.610+1del on transcript NM_023036.6 (MANE Select); the canonical splice donor site of the intron after coding-DNA position 610, one base deleted (G; older notation c.610+1delG).
Molecular consequence: splice donor variant.
Genome position (GRCh38, 1-based): chr17:74,289,737, G deleted; the last of 3 consecutive G bases (chr17:74,289,735-74,289,737); deleting any one gives the same sequence. VCF-style (leftmost placement, unchanged base first): chr17-74289734-TG-T. GRCh37 (hg19) VCF-style: chr17-72285873-TG-T.
Other names: c.610+1del (NM_001172810.3, NM_001353167.2).
Identifiers: ClinVar variation 4816119 (VCV004816119.1).